The following is an entry in ClinVar:

ClinVar aggregate classification (germline): Likely benign. Review status: criteria provided, multiple submitters, no conflicts (2 of 4 stars). 3 submissions from 3 submitters: Likely benign (2). 1 of the submissions does not count toward it. Last evaluated 2018-04-03.

Conditions:
ANKS3-related disorder. Also called: ANKS3-related condition.

Allele frequency attached by ClinVar (database versions not stated): 1000 Genomes Project 0.00200; gnomAD 0.00215 and 0.00221; TOPMed 0.00248; ExAC 0.00264; ESP Exome Variant Server 0.00154; 1000 Genomes Project 30x 0.00172.
gnomAD v4.1: 5,609 of 1,614,072 alleles (0.35%); highest among the groups gnomAD compares: Non-Finnish European, 0.41%; 15 homozygotes.

Submissions (14):

Labcorp Genetics (formerly Invitae), Labcorp
Classification: Likely benign. Last evaluated: 2018-04-03. Review status: criteria provided, single submitter. Criteria: Invitae Variant Classification Sherloc (09022015). Collection method: clinical testing. Allele origin: germline.

Breakthrough Genomics
Classification: Likely benign. Review status: criteria provided, single submitter. Criteria: ACMG Guidelines, 2015. Collection method: not provided. Allele origin: germline. Inheritance: Unknown mechanism. Affected: yes.

PreventionGenetics, part of Exact Sciences
Classification: Likely benign for ANKS3-related condition. Last evaluated: 2022-02-16. Review status: no assertion criteria provided. Collection method: clinical testing. Allele origin: germline. Not counted in ClinVar's aggregate classification.
Comment: This variant is classified as likely benign based on ACMG/AMP sequence variant interpretation guidelines (Richards et al. 2015 PMID: 25741868, with internal and published modifications).

Dr. Peter K. Rogan Lab, Western University
No classification provided (evidence only). Condition: Malignant tumor of urinary bladder. Review status: no classification provided. Collection method: in vitro. Allele origin: not applicable. Functional consequence: skipped exon, retained intron. Not counted in ClinVar's aggregate classification.

Dr. Peter K. Rogan Lab, Western University
No classification provided (evidence only). Condition: Familial cancer of breast. Review status: no classification provided. Collection method: in vitro. Allele origin: not applicable. Functional consequence: skipped exon. Not counted in ClinVar's aggregate classification.

Dr. Peter K. Rogan Lab, Western University
No classification provided (evidence only). Condition: Familial cancer of breast. Review status: no classification provided. Collection method: in vitro. Allele origin: not applicable. Functional consequence: skipped exon. Not counted in ClinVar's aggregate classification.

Dr. Peter K. Rogan Lab, Western University
No classification provided (evidence only). Condition: Cervical cancer. Review status: no classification provided. Collection method: in vitro. Allele origin: not applicable. Functional consequence: skipped exon. Not counted in ClinVar's aggregate classification.

Dr. Peter K. Rogan Lab, Western University
No classification provided (evidence only). Condition: Sarcoma. Review status: no classification provided. Collection method: in vitro. Allele origin: not applicable. Functional consequence: skipped exon. Not counted in ClinVar's aggregate classification.

Dr. Peter K. Rogan Lab, Western University
No classification provided (evidence only). Condition: Sarcoma. Review status: no classification provided. Collection method: in vitro. Allele origin: not applicable. Functional consequence: skipped exon. Not counted in ClinVar's aggregate classification.

Dr. Peter K. Rogan Lab, Western University
No classification provided (evidence only). Condition: Hepatocellular carcinoma. Review status: no classification provided. Collection method: in vitro. Allele origin: not applicable. Functional consequence: skipped exon. Not counted in ClinVar's aggregate classification.

Dr. Peter K. Rogan Lab, Western University
No classification provided (evidence only). Condition: Ovarian serous cystadenocarcinoma. Review status: no classification provided. Collection method: in vitro. Allele origin: not applicable. Functional consequence: skipped exon. Not counted in ClinVar's aggregate classification.

Dr. Peter K. Rogan Lab, Western University
No classification provided (evidence only). Condition: Ovarian serous cystadenocarcinoma. Review status: no classification provided. Collection method: in vitro. Allele origin: not applicable. Functional consequence: retained intron. Not counted in ClinVar's aggregate classification.

Dr. Peter K. Rogan Lab, Western University
No classification provided (evidence only). Condition: Ovarian serous cystadenocarcinoma. Review status: no classification provided. Collection method: in vitro. Allele origin: not applicable. Functional consequence: retained intron. Not counted in ClinVar's aggregate classification.

Dr. Peter K. Rogan Lab, Western University
No classification provided (evidence only). Condition: Gastric cancer. Review status: no classification provided. Collection method: in vitro. Allele origin: not applicable. Functional consequence: skipped exon. Not counted in ClinVar's aggregate classification.

NM_133450.4(ANKS3):c.502T>G (p.Cys168Gly)

Gene: ANKS3 (ankyrin repeat and sterile alpha motif domain containing 3; minus strand). Cytogenetic location: 16p13.3.
Variant type: single nucleotide variant.
Coding change: c.502T>G on transcript NM_133450.4 (MANE Select); coding-DNA position 502, T replaced by G.
Protein change: p.Cys168Gly; replaces cysteine 168 with glycine.
Molecular consequence: missense variant. On other transcripts: 5 prime UTR variant (2), non-coding transcript variant (1).
Genome position (GRCh38, 1-based): chr16:4,724,821, A>C on the plus strand (T>G on the coding strand, the complement: ANKS3 is on the minus strand). VCF-style: chr16-4724821-A-C. GRCh37 (hg19) VCF-style: chr16-4774822-A-C.
Other names: NC_000016.9:g.4774822A>C; c.181T>G, p.Cys61Gly (NM_001242929.2); c.115T>G, p.Cys39Gly (NM_001308089.2); c.-18T>G (NM_001324129.2); c.-364T>G (NM_001324130.2); short protein forms C39G, C61G, C168G.
Identifiers: ClinVar variation 787722 (VCV000787722.7), dbSNP rs62036061, ClinGen allele CA7880305.